The following is an entry in ClinVar:

NM_000350.3(ABCA4):c.2941C>T (p.Pro981Ser)

Gene: ABCA4 (ATP binding cassette subfamily A member 4; minus strand). Cytogenetic location: 1p22.1.
Variant type: single nucleotide variant.
Coding change: c.2941C>T on transcript NM_000350.3 (MANE Select); coding-DNA position 2941, C replaced by T.
Protein change: p.Pro981Ser; replaces proline 981 with serine.
Molecular consequence: missense variant.
Genome position (GRCh38, 1-based): chr1:94,044,722, G>A on the plus strand (C>T on the coding strand, the complement: ABCA4 is on the minus strand). VCF-style: chr1-94044722-G-A. GRCh37 (hg19) VCF-style: chr1-94510278-G-A.
Other names: c.2719C>T, p.Pro907Ser (NM_001425324.1); short protein forms P907S, P981S.
Identifiers: ClinVar variation 2767484 (VCV002767484.3), dbSNP rs2523780315, ClinGen allele CA341275233.

ClinVar aggregate classification (germline): Likely pathogenic (1 of 4 stars; one submission).

Submission:

Labcorp Genetics (formerly Invitae), Labcorp
Classification: Likely pathogenic. Last evaluated: 2023-10-10. Review status: criteria provided, single submitter. Criteria: Invitae Variant Classification Sherloc (09022015). Collection method: clinical testing. Allele origin: germline.
Comment: This sequence change replaces proline, which is neutral and non-polar, with serine, which is neutral and polar, at codon 981 of the ABCA4 protein (p.Pro981Ser). This variant is not present in population databases (gnomAD no frequency). This variant has not been reported in the literature in individuals affected with ABCA4-related conditions. Advanced modeling of protein sequence and biophysical properties (such as structural, functional, and spatial information, amino acid conservation, physicochemical variation, residue mobility, and thermodynamic stability) performed at Invitae indicates that this missense variant is expected to disrupt ABCA4 protein function. This variant disrupts the p.Pro981 amino acid residue in ABCA4. Other variant(s) that disrupt this residue have been determined to be pathogenic (PMID: 29925512). This suggests that this residue is clinically significant, and that variants that disrupt this residue are likely to be disease-causing. In summary, the currently available evidence indicates that the variant is pathogenic, but additional data are needed to prove that conclusively. Therefore, this variant has been classified as Likely Pathogenic.

Literature cited by the submitters: PubMed 29925512.